The following is an entry in ClinVar:

NM_018062.4(FANCL):c.317C>T (p.Pro106Leu)

Gene: FANCL (FA complementation group L; minus strand). Cytogenetic location: 2p16.1.
Variant type: single nucleotide variant.
Coding change: c.317C>T on transcript NM_018062.4 (MANE Select); coding-DNA position 317, C replaced by T.
Protein change: p.Pro106Leu; replaces proline 106 with leucine.
Molecular consequence: missense variant.
Genome position (GRCh38, 1-based): chr2:58,221,999, G>A on the plus strand (C>T on the coding strand, the complement: FANCL is on the minus strand). VCF-style: chr2-58221999-G-A. GRCh37 (hg19) VCF-style: chr2-58449134-G-A.
Other names: c.317C>T, p.Pro106Leu (NM_001114636.2, NM_001374615.1, NM_001410792.1); short protein forms P106L.
Identifiers: ClinVar variation 1037533 (VCV001037533.7), dbSNP rs771772034, ClinGen allele CA1670688.
Genomic context (GRCh38, chr2:58,221,999, plus strand): 5'-TACTTATCCCAACCAAGAGTTCCTATCTCTTCAATAAGGCTTGAGTAGAACTGGGGAGGA[G>A]GAGGTAGTGCATACAGCTCTTGTCTATTCTTTAAGGCAACTTCCTGTTTAAAAGAAGAAA-3'
Protein context (NP_060532.2, residues 96-116): KNRQELYALP[Pro106Leu]PPQFYSSLIE

ClinVar aggregate classification (germline): Uncertain significance (1 of 4 stars; one submission).

Conditions:
Fanconi anemia (FA). Also called: Fanconi's anemia. Identifiers: Orphanet 84, MedGen C0015625, MeSH D005199, MONDO:0019391.

Allele frequency attached by ClinVar (database versions not stated): ExAC 0.00001; gnomAD exomes 0.00001; TOPMed 0.00001; gnomAD 0.00003.
gnomAD v4.1: 18 of 1,613,440 alleles (0.0011%); highest among the groups gnomAD compares: Non-Finnish European, 0.0015%; no homozygotes.

Submission:

Labcorp Genetics (formerly Invitae), Labcorp
Classification: Uncertain significance for Fanconi anemia. Last evaluated: 2023-08-04. Review status: criteria provided, single submitter. Criteria: Invitae Variant Classification Sherloc (09022015). Collection method: clinical testing. Allele origin: germline.
Comment: In summary, the available evidence is currently insufficient to determine the role of this variant in disease. Therefore, it has been classified as a Variant of Uncertain Significance. Advanced modeling of protein sequence and biophysical properties (such as structural, functional, and spatial information, amino acid conservation, physicochemical variation, residue mobility, and thermodynamic stability) performed at Invitae indicates that this missense variant is not expected to disrupt FANCL protein function. ClinVar contains an entry for this variant (Variation ID: 1037533). This variant has not been reported in the literature in individuals affected with FANCL-related conditions. This variant is present in population databases (rs771772034, gnomAD 0.003%). This sequence change replaces proline, which is neutral and non-polar, with leucine, which is neutral and non-polar, at codon 106 of the FANCL protein (p.Pro106Leu).